The following is an entry in ClinVar:

NM_002101.5(GYPC):c.59C>T (p.Pro20Leu)

Gene: GYPC (glycophorin C (Gerbich blood group); plus strand). Cytogenetic location: 2q14.3.
Variant type: single nucleotide variant.
Coding change: c.59C>T on transcript NM_002101.5 (MANE Select); coding-DNA position 59, C replaced by T.
Protein change: p.Pro20Leu; replaces proline 20 with leucine.
Molecular consequence: missense variant. On other transcripts: 5 prime UTR variant (1), intron variant (1).
Genome position (GRCh38, 1-based): chr2:126,690,264, C>T. VCF-style: chr2-126690264-C-T. GRCh37 (hg19) VCF-style: chr2-127447840-C-T.
Other names: p.Pro20Leu; c.-5C>T (NM_001256584.2); c.50-3600C>T (NM_016815.4); short protein forms P20L.
Identifiers: ClinVar variation 721097 (VCV000721097.6), dbSNP rs143216051, ClinGen allele CA1856639.

ClinVar aggregate classification (germline): Benign/Likely benign. Review status: criteria provided, multiple submitters, no conflicts (2 of 4 stars). 4 submissions from 4 submitters: Benign (2); Likely benign (1). 1 of the submissions does not count toward it. Last evaluated 2025-08-13.

Conditions:
GYPC-related disorder. Also called: GYPC-related condition.

Allele frequency attached by ClinVar (database versions not stated): ESP Exome Variant Server 0.00484; gnomAD 0.00357; TOPMed 0.00417; 1000 Genomes Project 30x 0.00562; 1000 Genomes Project 0.00479.
gnomAD v4.1: 1,109 of 1,612,290 alleles (0.069%); highest among the groups gnomAD compares: African/African-American, 1.3%; 7 homozygotes.

Submissions (4):

Mayo Clinic Laboratories, Mayo Clinic
Classification: Likely benign. Last evaluated: 2025-08-13. Review status: criteria provided, single submitter. Criteria: ACMG Guidelines, 2015. Collection method: clinical testing. Allele origin: germline. Observed: 8 variant alleles.
Comment: BS2, BP4

Labcorp Genetics (formerly Invitae), Labcorp
Classification: Benign. Last evaluated: 2018-03-30. Review status: criteria provided, single submitter. Criteria: Invitae Variant Classification Sherloc (09022015). Collection method: clinical testing. Allele origin: germline.

Breakthrough Genomics
Classification: Benign. Review status: criteria provided, single submitter. Criteria: ACMG Guidelines, 2015. Collection method: not provided. Allele origin: germline. Inheritance: Unknown mechanism. Affected: yes.

PreventionGenetics, part of Exact Sciences
Classification: Benign for GYPC-related condition. Last evaluated: 2019-08-09. Review status: no assertion criteria provided. Collection method: clinical testing. Allele origin: germline. Not counted in ClinVar's aggregate classification.
Comment: This variant is classified as benign based on ACMG/AMP sequence variant interpretation guidelines (Richards et al. 2015 PMID: 25741868, with internal and published modifications).